The following is an entry in ClinVar:

ClinVar aggregate classification (germline): Likely benign. Review status: criteria provided, multiple submitters, no conflicts (2 of 4 stars). 2 submissions from 2 submitters: Likely benign (2). Last evaluated 2026-01-06.

Conditions:
RIPOR2-related disorder. Also called: RIPOR2-related condition.

Allele frequency attached by ClinVar (database versions not stated): gnomAD 0.00013; ExAC 0.00014; TOPMed 0.00015; 1000 Genomes Project 30x 0.00016; 1000 Genomes Project 0.00020; ESP Exome Variant Server 0.00022; gnomAD exomes 0.00023.
gnomAD v4.1: 341 of 1,551,106 alleles (0.022%); highest among the groups gnomAD compares: Non-Finnish European, 0.028%; no homozygotes.

Submissions (2):

PreventionGenetics, part of Exact Sciences
Classification: Likely benign for RIPOR2-related condition. Last evaluated: 2026-01-06. Review status: criteria provided, single submitter. Criteria: ACMG Guidelines, 2015. Collection method: clinical testing. Allele origin: germline.
Comment: This variant is classified as likely benign based on ACMG/AMP sequence variant interpretation guidelines (Richards et al. 2015 PMID: 25741868, with internal and published modifications).

Labcorp Genetics (formerly Invitae), Labcorp
Classification: Likely benign. Last evaluated: 2025-05-30. Review status: criteria provided, single submitter. Criteria: Invitae Variant Classification Sherloc (09022015). Collection method: clinical testing. Allele origin: germline.

NM_001286445.3(RIPOR2):c.2991A>G (p.Gln997=)

Gene: RIPOR2 (RHO family interacting cell polarization regulator 2; minus strand). Cytogenetic location: 6p22.3.
Variant type: single nucleotide variant.
Coding change: c.2991A>G on transcript NM_001286445.3 (MANE Select); coding-DNA position 2991, A replaced by G.
Protein change: p.Gln997=; no amino-acid change (glutamine 997 retained).
Molecular consequence: synonymous variant.
Genome position (GRCh38, 1-based): chr6:24,809,769, T>C on the plus strand (A>G on the coding strand, the complement: RIPOR2 is on the minus strand). VCF-style: chr6-24809769-T-C. GRCh37 (hg19) VCF-style: chr6-24809997-T-C.
Other names: c.2904A>G, p.Gln968= (NM_001346031.2, NM_001346032.2); c.3054A>G, p.Gln1018= (NM_014722.5); c.3054A>G (NM_014722.4).
Identifiers: ClinVar variation 2061251 (VCV002061251.5), dbSNP rs372064112, ClinGen allele CA3659050.